The following is an entry in ClinVar:

NM_004304.5(ALK):c.3806G>T (p.Gly1269Val)

Gene: ALK (ALK receptor tyrosine kinase; minus strand). Cytogenetic location: 2p23.2.
Variant type: single nucleotide variant.
Coding change: c.3806G>T on transcript NM_004304.5 (MANE Select); coding-DNA position 3806, G replaced by T.
Protein change: p.Gly1269Val; replaces glycine 1269 with valine.
Molecular consequence: missense variant.
Genome position (GRCh38, 1-based): chr2:29,209,816, C>A on the plus strand (G>T on the coding strand, the complement: ALK is on the minus strand). VCF-style: chr2-29209816-C-A. GRCh37 (hg19) VCF-style: chr2-29432682-C-A.
Other names: c.602G>T, p.Gly201Val (NM_001353765.2); short protein forms G201V, G1269V.
Identifiers: ClinVar variation 4039862 (VCV004039862.1).
Genomic context (GRCh38, chr2:29,209,816, plus strand): 5'-GCCCGGAGGGGTGAGGCAGTCTTTACTCACCTGTAGATGTCTCGGGCCATCCCGAAGTCT[C>A]CAATCTTGGCCACTCTTCCAGGGCCTGGACAGGTCAAGAGGCAGTTTCTGGCAGCAATGT-3'
Protein context (NP_004295.2, residues 1259-1279): CPGPGRVAKI[Gly1269Val]DFGMARDIYR

ClinVar aggregate classification (germline): Uncertain significance (1 of 4 stars; one submission).

Conditions:
Hereditary cancer-predisposing syndrome. Also called: Neoplastic Syndromes, Hereditary; Tumor predisposition; Hereditary neoplastic syndrome; Hereditary Cancer Syndrome. Identifiers: Orphanet 140162, MedGen C0027672, MeSH D009386, MONDO:0015356.

Submission:

Ambry Genetics
Classification: Uncertain significance for Hereditary cancer-predisposing syndrome. Last evaluated: 2025-05-23. Review status: criteria provided, single submitter. Criteria: Ambry Variant Classification Scheme 2023. Collection method: clinical testing. Allele origin: germline.
Comment: The p.G1269V variant (also known as c.3806G>T), located in coding exon 25 of the ALK gene, results from a G to T substitution at nucleotide position 3806. The glycine at codon 1269 is replaced by valine, an amino acid with dissimilar properties. This amino acid position is conserved. In addition, this alteration is predicted to be deleterious by in silico analysis. Based on the available evidence, the clinical significance of this variant remains unclear.